The following is an entry in ClinVar:

NM_004006.3(DMD):c.7117C>T (p.Gln2373Ter)

Gene: DMD (dystrophin; minus strand). Cytogenetic location: Xp21.1.
Variant type: single nucleotide variant.
Coding change: c.7117C>T on transcript NM_004006.3 (MANE Select); coding-DNA position 7117, C replaced by T.
Protein change: p.Gln2373Ter; replaces glutamine 2373 with a stop codon.
Molecular consequence: nonsense. On other transcripts: 5 prime UTR variant (5).
Genome position (GRCh38, 1-based): chrX:31,836,801, G>A on the plus strand (C>T on the coding strand, the complement: DMD is on the minus strand). VCF-style: chrX-31836801-G-A. GRCh37 (hg19) VCF-style: chrX-31854918-G-A.
Other names: c.7093C>T, p.Gln2365Ter (NM_000109.4); c.7105C>T, p.Gln2369Ter (NM_004009.3); c.6748C>T, p.Gln2250Ter (NM_004010.3); c.3094C>T, p.Gln1032Ter (NM_004011.4); c.3085C>T, p.Gln1029Ter (NM_004012.4); c.-264C>T (NM_004013.3, NM_004020.4, NM_004021.3 and 2 more transcripts); short protein forms Q2250*, Q2369*, Q2365*, Q2373*, Q1029*, Q1032*.
Identifiers: ClinVar variation 4733297 (VCV004733297.1).

ClinVar aggregate classification (germline): Pathogenic (1 of 4 stars; one submission).

Conditions:
Duchenne muscular dystrophy (DMD). Also called: MUSCULAR DYSTROPHY, PSEUDOHYPERTROPHIC PROGRESSIVE, DUCHENNE TYPE; Duchenne Muscular Dystrophy (DMD). Identifiers: Orphanet 98896, MedGen C0013264, MONDO:0010679, OMIM 310200.

Submission:

Labcorp Genetics (formerly Invitae), Labcorp
Classification: Pathogenic for Duchenne muscular dystrophy. Last evaluated: 2025-12-15. Review status: criteria provided, single submitter. Criteria: Invitae Variant Classification Sherloc (09022015). Collection method: clinical testing. Allele origin: germline.
Comment: This sequence change creates a premature translational stop signal (p.Gln2373*) in the DMD gene. It is expected to result in an absent or disrupted protein product. Loss-of-function variants in DMD are known to be pathogenic (PMID: 16770791, 25007885). This variant is not present in population databases (gnomAD no frequency). This variant has not been reported in the literature in individuals affected with DMD-related conditions. For these reasons, this variant has been classified as Pathogenic.

Literature cited by the submitters: PubMed 16770791; PubMed 25007885.